The following is an entry in ClinVar:

ClinVar aggregate classification (germline): Conflicting classifications of pathogenicity. Review status: criteria provided, conflicting classifications (1 of 4 stars). 4 submissions from 4 submitters: Uncertain significance (1); Benign (1); Likely benign (2). Last evaluated 2025-06-19.

Conditions:
Inborn genetic diseases. Identifiers: MedGen C0950123, MeSH D030342.
RAI1-related disorder. Also called: RAI1-related condition.

Allele frequency attached by ClinVar (database versions not stated): gnomAD exomes 0.00001; ExAC 0.00002; 1000 Genomes Project 30x 0.00016; 1000 Genomes Project 0.00020.
gnomAD v4.1: 26 of 1,613,144 alleles (0.0016%); highest among the groups gnomAD compares: African/African-American, 0.019%; no homozygotes.

Submissions (4):

PreventionGenetics, part of Exact Sciences
Classification: Uncertain significance for RAI1-related condition. Last evaluated: 2025-06-19. Review status: criteria provided, single submitter. Criteria: ACMG Guidelines, 2015. Collection method: clinical testing. Allele origin: germline.
Comment: The RAI1 c.1598A>G variant is predicted to result in the amino acid substitution p.Asn533Ser. To our knowledge, this variant has not been reported in the literature. This variant is reported in 0.012% of alleles in individuals of African descent in gnomAD, which may be too frequent to be an unreported primary cause of disease. Although we suspect that this variant may be benign, at this time, the clinical significance of this variant is uncertain due to the absence of conclusive functional and genetic evidence.

Ambry Genetics
Classification: Likely benign for Inborn genetic diseases. Last evaluated: 2025-05-15. Review status: criteria provided, single submitter. Criteria: Ambry Variant Classification Scheme 2023. Collection method: clinical testing. Allele origin: germline.

Labcorp Genetics (formerly Invitae), Labcorp
Classification: Benign. Last evaluated: 2024-09-12. Review status: criteria provided, single submitter. Criteria: Invitae Variant Classification Sherloc (09022015). Collection method: clinical testing. Allele origin: germline.

GeneDx
Classification: Likely benign. Last evaluated: 2019-06-20. Review status: criteria provided, single submitter. Criteria: GeneDx Variant Classification Process June 2021. Collection method: clinical testing. Allele origin: germline. Affected: yes.

NM_030665.4(RAI1):c.1598A>G (p.Asn533Ser)

Gene: RAI1 (retinoic acid induced 1; plus strand). Cytogenetic location: 17p11.2.
Variant type: single nucleotide variant.
Coding change: c.1598A>G on transcript NM_030665.4 (MANE Select); coding-DNA position 1598, A replaced by G.
Protein change: p.Asn533Ser; replaces asparagine 533 with serine.
Molecular consequence: missense variant.
Genome position (GRCh38, 1-based): chr17:17,794,546, A>G. VCF-style: chr17-17794546-A-G. GRCh37 (hg19) VCF-style: chr17-17697860-A-G.
Other names: short protein forms N533S.
Identifiers: ClinVar variation 1200160 (VCV001200160.10), dbSNP rs542908784, ClinGen allele CA8418368.